The following is an entry in ClinVar:

ClinVar aggregate classification (germline): Pathogenic (1 of 4 stars; one submission).

Conditions:
Ehlers-Danlos syndrome, classic type, 1 (EDSCL1). Also called: EHLERS-DANLOS SYNDROME, GRAVIS TYPE; EHLERS-DANLOS SYNDROME, SEVERE CLASSIC TYPE; Ehlers-Danlos syndrome, type 1; Ehlers-Danlos Syndrome, Classic Type, COL5A1-Related; EDS I. Identifiers: MedGen C0268335, MONDO:0019567, OMIM 130000.

Submission:

Labcorp Genetics (formerly Invitae), Labcorp
Classification: Pathogenic for Ehlers-Danlos syndrome, classic type, 1. Last evaluated: 2023-01-30. Review status: criteria provided, single submitter. Criteria: Invitae Variant Classification Sherloc (09022015). Collection method: clinical testing. Allele origin: unknown.
Comment: For these reasons, this variant has been classified as Pathogenic. A similar copy number variant has been observed in individual(s) with Ehlers-Danlos syndrome (Invitae). This variant results in a copy number gain of the genomic region encompassing exon(s) 2-29 of the COL5A1 gene. While the exact position of this variant cannot be determined from the data, sub-genic copy number gains are generally in tandem (PMID: 25640679). This variant is predicted to be out-of-frame, and may result in an absent or disrupted protein product. Loss-of-function variants in COL5A1 are known to be pathogenic (PMID: 23587214).

Literature cited by the submitters: PubMed 25640679; PubMed 23587214.

NC_000009.11:g.(?_137582738)_(137674586_?)dup

Gene: COL5A1 (collagen type V alpha 1 chain; plus strand). Cytogenetic location: 9q34.3.
Variant type: Duplication.
Identifiers: ClinVar variation 3245110 (VCV003245110.1).